The following is an entry in ClinVar:

ClinVar aggregate classification (germline): Benign (1 of 4 stars; one submission).

Conditions:
Papillary renal cell carcinoma type 1 (RCCP1). Also called: Renal adenocarcinoma; Renal cell carcinoma 1; Renal cell carcinoma, somatic; RENAL CELL CARCINOMA, PAPILLARY, 1, SOMATIC. Identifiers: Orphanet 47044, MedGen C1336839, OMIM 605074, HP:0011797.

Submission:

Myriad Genetics, Inc.
Classification: Benign for Papillary renal cell carcinoma type 1. Last evaluated: 2024-11-08. Review status: criteria provided, single submitter. Criteria: Myriad Autosomal Dominant, Autosomal Recessive and X-Linked Classification Criteria (2023). Collection method: clinical testing. Allele origin: unknown.
Comment: This variant is considered benign. This variant is a silent/synonymous amino acid change and it is not expected to impact splicing.

NM_000245.4(MET):c.2073A>T (p.Ser691=)

Gene: MET (MET proto-oncogene, receptor tyrosine kinase; plus strand). Cytogenetic location: 7q31.2.
Variant type: single nucleotide variant.
Coding change: c.2073A>T on transcript NM_000245.4 (MANE Select); coding-DNA position 2073, A replaced by T.
Protein change: p.Ser691=; no amino-acid change (serine 691 retained).
Molecular consequence: synonymous variant.
Genome position (GRCh38, 1-based): chr7:116,757,745, A>T. VCF-style: chr7-116757745-A-T. GRCh37 (hg19) VCF-style: chr7-116397799-A-T.
Other names: c.2073A>T, p.Ser691= (NM_001127500.3, NM_001324401.3); c.783A>T, p.Ser261= (NM_001324402.2).
Identifiers: ClinVar variation 3773082 (VCV003773082.1).